The following is an entry in ClinVar:

ClinVar aggregate classification (germline): Uncertain significance (1 of 4 stars; one submission).

Submission:

Labcorp Genetics (formerly Invitae), Labcorp
Classification: Uncertain significance. Last evaluated: 2019-05-29. Review status: criteria provided, single submitter. Criteria: Invitae Variant Classification Sherloc (09022015). Collection method: clinical testing. Allele origin: germline.
Comment: This sequence change replaces glutamine with glutamic acid at codon 196 of the CTNNA1 protein (p.Gln196Glu). The glutamine residue is highly conserved and there is a small physicochemical difference between glutamine and glutamic acid. This variant is not present in population databases (ExAC no frequency). This variant has not been reported in the literature in individuals with CTNNA1-related conditions. Algorithms developed to predict the effect of missense changes on protein structure and function are either unavailable or do not agree on the potential impact of this missense change (SIFT: "Deleterious"; PolyPhen-2: "Benign"; Align-GVGD: "Class C0"). In summary, the available evidence is currently insufficient to determine the role of this variant in disease. Therefore, it has been classified as a Variant of Uncertain Significance.

NM_001903.5(CTNNA1):c.586C>G (p.Gln196Glu)

Gene: CTNNA1 (catenin alpha 1; plus strand). Cytogenetic location: 5q31.2.
Variant type: single nucleotide variant.
Coding change: c.586C>G on transcript NM_001903.5 (MANE Select); coding-DNA position 586, C replaced by G.
Protein change: p.Gln196Glu; replaces glutamine 196 with glutamic acid.
Molecular consequence: missense variant.
Genome position (GRCh38, 1-based): chr5:138,812,300, C>G. VCF-style: chr5-138812300-C-G. GRCh37 (hg19) VCF-style: chr5-138147989-C-G.
Other names: c.586C>G, p.Gln196Glu (NM_001290307.3, NM_001323982.2, NM_001323983.1 and 3 more transcripts); c.277C>G, p.Gln93Glu (NM_001290309.3); c.217C>G, p.Gln73Glu (NM_001290310.3); short protein forms Q93E, Q196E, Q73E.
Identifiers: ClinVar variation 942504 (VCV000942504.9), dbSNP rs1419278064, ClinGen allele CA361125718.